The following is an entry in ClinVar:

NM_000038.6(APC):c.2791C>T (p.His931Tyr)

Gene: APC (APC regulator of Wnt signaling pathway; plus strand). Cytogenetic location: 5q22.2.
Variant type: single nucleotide variant.
Coding change: c.2791C>T on transcript NM_000038.6 (MANE Select); coding-DNA position 2791, C replaced by T.
Protein change: p.His931Tyr; replaces histidine 931 with tyrosine.
Molecular consequence: missense variant.
Genome position (GRCh38, 1-based): chr5:112,838,385, C>T. VCF-style: chr5-112838385-C-T. GRCh37 (hg19) VCF-style: chr5-112174082-C-T.
Other names: c.2791C>T, p.His931Tyr (NM_001127510.3, NM_001354895.2, NM_001407450.1); c.2737C>T, p.His913Tyr (NM_001127511.3); c.2845C>T, p.His949Tyr (NM_001354896.2, NM_001407447.1, NM_001407448.1 and 1 more transcripts); c.2821C>T, p.His941Tyr (NM_001354897.2); c.2716C>T, p.His906Tyr (NM_001354898.2); c.2707C>T, p.His903Tyr (NM_001354899.2); c.2668C>T, p.His890Tyr (NM_001354900.2); c.2614C>T, p.His872Tyr (NM_001354901.2, NM_001407453.1); and 11 more; short protein forms H805Y, H906Y, H913Y, H949Y, H648Y, H840Y, H890Y, H924Y.
Identifiers: ClinVar variation 1796054 (VCV001796054.5), dbSNP rs1169039793, ClinGen allele CA16027418.

ClinVar aggregate classification (germline): Conflicting classifications of pathogenicity. Review status: criteria provided, conflicting classifications (1 of 4 stars). 3 submissions from 3 submitters: Uncertain significance (2); Likely benign (1). Last evaluated 2025-12-15.

Conditions:
Hereditary cancer-predisposing syndrome. Also called: Tumor predisposition; Hereditary Cancer Syndrome; Neoplastic Syndromes, Hereditary; Hereditary neoplastic syndrome. Identifiers: Orphanet 140162, MedGen C0027672, MeSH D009386, MONDO:0015356.
Familial adenomatous polyposis 1 (FAP1). Also called: FAMILIAL ADENOMATOUS POLYPOSIS 1, ATTENUATED; POLYPOSIS, ADENOMATOUS INTESTINAL. Identifiers: MedGen C2713442, MONDO:0021056, OMIM 175100. Disease mechanism: loss of function.

Allele frequency attached by ClinVar (database versions not stated): gnomAD exomes below 0.00001.
gnomAD v4.1: 4 of 1,614,198 alleles (0.00025%); highest among the groups gnomAD compares: East Asian, 0.0045%; no homozygotes.

Submissions (3):

Labcorp Genetics (formerly Invitae), Labcorp
Classification: Uncertain significance for Familial adenomatous polyposis 1. Last evaluated: 2025-12-15. Review status: criteria provided, single submitter. Criteria: Invitae Variant Classification Sherloc (09022015). Collection method: clinical testing. Allele origin: germline.
Comment: This sequence change replaces histidine, which is basic and polar, with tyrosine, which is neutral and polar, at codon 931 of the APC protein (p.His931Tyr). This variant is present in population databases (no rsID available, gnomAD 0.006%). This variant has not been reported in the literature in individuals affected with APC-related conditions. ClinVar contains an entry for this variant (Variation ID: 1796054). Invitae Evidence Modeling of protein sequence and biophysical properties (such as structural, functional, and spatial information, amino acid conservation, physicochemical variation, residue mobility, and thermodynamic stability) indicates that this missense variant is not expected to disrupt APC protein function with a negative predictive value of 95%. In summary, the available evidence is currently insufficient to determine the role of this variant in disease. Therefore, it has been classified as a Variant of Uncertain Significance.

Color Diagnostics, LLC DBA Color Health
Classification: Likely benign for Hereditary cancer-predisposing syndrome. Last evaluated: 2025-02-10. Review status: criteria provided, single submitter. Criteria: ACMG Guidelines, 2015. Collection method: clinical testing. Allele origin: germline.

Ambry Genetics
Classification: Uncertain significance for Hereditary cancer-predisposing syndrome. Last evaluated: 2020-08-13. Review status: criteria provided, single submitter. Criteria: Ambry Variant Classification Scheme 2023. Collection method: clinical testing. Allele origin: germline.
Comment: The p.H931Y variant (also known as c.2791C>T), located in coding exon 15 of the APC gene, results from a C to T substitution at nucleotide position 2791. The histidine at codon 931 is replaced by tyrosine, an amino acid with similar properties. This amino acid position is well conserved in available vertebrate species. In addition, in silico predictors for this gene do not accurately predict pathogenicity. Since supporting evidence is limited at this time, the clinical significance of this alteration remains unclear.